The following is an entry in ClinVar:

ClinVar aggregate classification (germline): Uncertain significance (1 of 4 stars; one submission).

Submission:

Labcorp Genetics (formerly Invitae), Labcorp
Classification: Uncertain significance. Last evaluated: 2025-02-17. Review status: criteria provided, single submitter. Criteria: Invitae Variant Classification Sherloc (09022015). Collection method: clinical testing. Allele origin: germline.
Comment: This sequence change replaces asparagine, which is neutral and polar, with serine, which is neutral and polar, at codon 212 of the SNIP1 protein (p.Asn212Ser). This variant is not present in population databases (gnomAD no frequency). This variant has not been reported in the literature in individuals affected with SNIP1-related conditions. ClinVar contains an entry for this variant (Variation ID: 1721807). Invitae Evidence Modeling of protein sequence and biophysical properties (such as structural, functional, and spatial information, amino acid conservation, physicochemical variation, residue mobility, and thermodynamic stability) indicates that this missense variant is not expected to disrupt SNIP1 protein function with a negative predictive value of 80%. In summary, the available evidence is currently insufficient to determine the role of this variant in disease. Therefore, it has been classified as a Variant of Uncertain Significance.

NM_024700.4(SNIP1):c.635A>G (p.Asn212Ser)

Genes: SNIP1 (Smad nuclear interacting protein 1; minus strand), LOC126805704 (BRD4-independent group 4 enhancer GRCh37_chr1:38005292-38006491; plus strand). Cytogenetic location: 1p34.3.
Variant type: single nucleotide variant.
Coding change: c.635A>G on transcript NM_024700.4 (MANE Select); coding-DNA position 635, A replaced by G.
Protein change: p.Asn212Ser; replaces asparagine 212 with serine.
Molecular consequence: missense variant.
Genome position (GRCh38, 1-based): chr1:37,540,448, T>C on the plus strand (A>G on the coding strand, the complement: SNIP1 is on the minus strand). VCF-style: chr1-37540448-T-C. GRCh37 (hg19) VCF-style: chr1-38006049-T-C.
Other names: short protein forms N212S.
Identifiers: ClinVar variation 1721807 (VCV001721807.6), dbSNP rs2522348915, ClinGen allele CA339450823.
Genomic context (GRCh38, chr1:37,540,448, plus strand): 5'-AGTGCCCCAGAAAGTTCAAAGCTTGGTTTTTCTTTAGCGGGCACCTCTTTTTCTTTGTTG[T>C]TGCCACCAGGCCGAGGAACCAACTCCTGAGACTCACTGCCGCCACCACCAACGTCATTCC-3'
Protein context (NP_078976.2, residues 202-222): SQELVPRPGG[Asn212Ser]NKEKEVPAKE